The following is an entry in ClinVar:

ClinVar aggregate classification (germline): Uncertain significance. Review status: criteria provided, multiple submitters, no conflicts (2 of 4 stars). 4 submissions from 4 submitters: Uncertain significance (3). 1 of the submissions does not count toward it. Last evaluated 2025-06-17.

Conditions:
Isolated neonatal sclerosing cholangitis (NSC). Also called: Sclerosing cholangitis, neonatal. Identifiers: Orphanet 480556, MedGen C4479344, MONDO:0018816, OMIM 617394.
Autosomal recessive nonsyndromic hearing loss 66 (DFNB66). Also called: Deafness, autosomal recessive 66. Identifiers: Orphanet 90636, MedGen C1857750, MONDO:0012442, OMIM 610212.
Nephronophthisis 19 (NPHP19). Identifiers: Orphanet 84081, MedGen C4015542, MONDO:0014537, OMIM 616217.
DCDC2-related disorder. Also called: DCDC2-related condition.
Inborn genetic diseases. Identifiers: MedGen C0950123, MeSH D030342.

Allele frequency attached by ClinVar (database versions not stated): gnomAD 0.00001; ExAC 0.00002; gnomAD exomes 0.00002; TOPMed 0.00002.
gnomAD v4.1: 21 of 1,604,990 alleles (0.0013%); highest among the groups gnomAD compares: Non-Finnish European, 0.0018%; no homozygotes.

Submissions (4):

Ambry Genetics
Classification: Uncertain significance for Inborn genetic diseases. Last evaluated: 2025-06-17. Review status: criteria provided, single submitter. Criteria: Ambry Variant Classification Scheme 2023. Collection method: clinical testing. Allele origin: germline.

Fulgent Genetics
Classification: Uncertain significance for Autosomal recessive nonsyndromic hearing loss 66; Nephronophthisis 19; Isolated neonatal sclerosing cholangitis. Last evaluated: 2021-12-07. Review status: criteria provided, single submitter. Criteria: ACMG Guidelines, 2015. Collection method: clinical testing. Allele origin: unknown.

Baylor Genetics
Classification: Uncertain significance for Autosomal recessive nonsyndromic hearing loss 66. Last evaluated: 2018-04-27. Review status: criteria provided, single submitter. Criteria: ACMG Guidelines, 2015. Collection method: clinical testing. Allele origin: paternal. Affected: yes.
Comment: This variant was determined to be of uncertain significance according to ACMG Guidelines, 2015 [PMID:25741868].

PreventionGenetics, part of Exact Sciences
Classification: Uncertain significance for DCDC2-related condition. Last evaluated: 2023-12-21. Review status: no assertion criteria provided. Collection method: clinical testing. Allele origin: germline. Not counted in ClinVar's aggregate classification.
Comment: The DCDC2 c.278C>A variant is predicted to result in the amino acid substitution p.Ala93Asp. To our knowledge, this variant has not been reported in the literature. This variant is reported in 0.0040% of alleles in individuals of European (Non-Finnish) descent in gnomAD. At this time, the clinical significance of this variant is uncertain due to the absence of conclusive functional and genetic evidence.

NM_016356.5(DCDC2):c.278C>A (p.Ala93Asp)

Genes: DCDC2 (doublecortin domain containing 2; minus strand), KAAG1 (kidney associated DCDC2 antisense RNA 1; plus strand). Cytogenetic location: 6p22.3.
Variant type: single nucleotide variant.
Coding change: c.278C>A on transcript NM_016356.5 (MANE Select); coding-DNA position 278, C replaced by A.
Protein change: p.Ala93Asp; replaces alanine 93 with aspartic acid.
Molecular consequence: missense variant.
Genome position (GRCh38, 1-based): chr6:24,357,473, G>T on the plus strand (C>A on the coding strand, the complement: DCDC2 is on the minus strand). VCF-style: chr6-24357473-G-T. GRCh37 (hg19) VCF-style: chr6-24357701-G-T.
Other names: c.278C>A, p.Ala93Asp (NM_001195610.2); c.278C>A (NM_016356.3); short protein forms A93D.
Identifiers: ClinVar variation 1033408 (VCV001033408.5), dbSNP rs776415168, ClinGen allele CA3654850.